The following is an entry in ClinVar:

NM_004407.4(DMP1):c.80C>T (p.Ser27Phe)

Genes: DMP1 (dentin matrix acidic phosphoprotein 1; plus strand), DMP1-AS1 (DMP1 and DSPP antisense RNA 1; minus strand). Cytogenetic location: 4q22.1.
Variant type: single nucleotide variant.
Coding change: c.80C>T on transcript NM_004407.4 (MANE Select); coding-DNA position 80, C replaced by T.
Protein change: p.Ser27Phe; replaces serine 27 with phenylalanine.
Molecular consequence: missense variant.
Genome position (GRCh38, 1-based): chr4:87,657,057, C>T. VCF-style: chr4-87657057-C-T. GRCh37 (hg19) VCF-style: chr4-88578209-C-T.
Other names: c.80C>T, p.Ser27Phe (NM_001079911.3); short protein forms S27F.
Identifiers: ClinVar variation 3502645 (VCV003502645.2).

ClinVar aggregate classification (germline): Uncertain significance. Review status: criteria provided, multiple submitters, no conflicts (2 of 4 stars). 2 submissions from 2 submitters: Uncertain significance (2). Last evaluated 2026-06-08.

Conditions:
Inborn genetic diseases. Identifiers: MedGen C0950123, MeSH D030342.

gnomAD v4.1: 51 of 1,557,376 alleles (0.0033%); highest among the groups gnomAD compares: African/African-American, 0.066%; no homozygotes.

Submissions (2):

Women's Health and Genetics/Laboratory Corporation of America, LabCorp
Classification: Uncertain significance. Last evaluated: 2026-06-08. Review status: criteria provided, single submitter. Criteria: LabCorp Variant Classification Summary - May 2015. Collection method: clinical testing. Allele origin: germline.
Comment: Variant summary: DMP1 c.80C>T (p.Ser27Phe) results in a non-conservative amino acid change in the encoded protein sequence. Algorithms developed to predict the effect of missense changes on protein structure and function are either unavailable or do not agree on the potential impact of this missense change. The variant allele was found at a frequency of 5.6e-05 in 250126 control chromosomes. This frequency is not significantly higher than estimated for disease-causing variants in DMP1, allowing no conclusion about variant significance. To our knowledge, no occurrence of c.80C>T in individuals affected with DMP1-related conditions and no experimental evidence demonstrating its impact on protein function have been reported. ClinVar contains an entry for this variant (Variation ID: 3502645). Based on the evidence outlined above, the variant was classified as uncertain significance.

Ambry Genetics
Classification: Uncertain significance for Inborn genetic diseases. Last evaluated: 2024-08-19. Review status: criteria provided, single submitter. Criteria: Ambry Variant Classification Scheme 2023. Collection method: clinical testing. Allele origin: germline.